The following is an entry in ClinVar:

ClinVar aggregate classification (germline): Pathogenic (1 of 4 stars; one submission).

Conditions:
Marfan syndrome (MFS). Also called: MARFAN SYNDROME, TYPE I; Marfan syndrome type 1; Marfan's syndrome; Marfan syndrome, classic; FBN1-Related Marfan Syndrome. Identifiers: Orphanet 284963, Orphanet 558, MedGen C0024796, MONDO:0007947, OMIM 154700.
Familial thoracic aortic aneurysm and aortic dissection (TAAD). Also called: Thoracic aortic aneurysms and dissections. Identifiers: Orphanet 91387, MedGen C4707243, MONDO:0019625.

Submission:

Labcorp Genetics (formerly Invitae), Labcorp
Classification: Pathogenic for Marfan syndrome; Familial thoracic aortic aneurysm and aortic dissection. Last evaluated: 2021-11-10. Review status: criteria provided, single submitter. Criteria: Invitae Variant Classification Sherloc (09022015). Collection method: clinical testing. Allele origin: germline.
Comment: This variant affects multiple cysteine residues in the EGF-like, TGFBP or hybrid motif domains of FBN1. Cysteine residues are believed to be involved in intramolecular disulfide bridges and have been shown to be important for FBN1 protein structure (PMID: 16905551, 19349279). In addition, missense substitutions affecting cysteine residues within these domains are significantly overrepresented among patients with Marfan syndrome (PMID: 16571647, 17701892). For these reasons, this variant has been classified as Pathogenic. Experimental studies and prediction algorithms are not available or were not evaluated, and the functional significance of this variant is currently unknown. This variant has been observed in individual(s) with Marfan syndrome (Invitae). This variant results in the deletion of exon 58 and part of exon 59 of the FBN1 gene. It is expected to disrupt RNA splicing. Variants that disrupt the donor or acceptor splice site typically lead to a loss of protein function (PMID: 16199547), and loss-of-function variants in FBN1 are known to be pathogenic (PMID: 17657824, 19293843).

Literature cited by the submitters: PubMed 16905551; PubMed 19349279; PubMed 16571647; PubMed 17701892; PubMed 16199547; PubMed 17657824; PubMed 19293843.

NC_000015.9:g.(?_48717965)_(48720525_?)del

Gene: FBN1 (fibrillin 1; minus strand). Cytogenetic location: 15q21.1.
Variant type: Deletion.
Identifiers: ClinVar variation 1454601 (VCV001454601.4).